The following is an entry in ClinVar:

NM_005655.4(KLF10):c.1001T>C (p.Val334Ala)

Gene: KLF10 (KLF transcription factor 10; minus strand). Cytogenetic location: 8q22.3.
Variant type: single nucleotide variant.
Coding change: c.1001T>C on transcript NM_005655.4 (MANE Select); coding-DNA position 1001, T replaced by C.
Protein change: p.Val334Ala; replaces valine 334 with alanine.
Molecular consequence: missense variant.
Genome position (GRCh38, 1-based): chr8:102,651,331, A>G on the plus strand (T>C on the coding strand, the complement: KLF10 is on the minus strand). VCF-style: chr8-102651331-A-G. GRCh37 (hg19) VCF-style: chr8-103663559-A-G.
Other names: c.968T>C, p.Val323Ala (NM_001032282.4); c.1001T>C (NM_005655.2); short protein forms V323A, V334A.
Identifiers: ClinVar variation 1421890 (VCV001421890.7), dbSNP rs746645949, ClinGen allele CA4833496.
Genomic context (GRCh38, chr8:102,651,331, plus strand): 5'-GCTGAAGGGGAAAACCCAGGAGCAGGGGCAATGGGAGAGAGTCTGGTGCCATTCGGGCTC[A>G]CCACCGGAGGCTTTGAACTCTGCACAACGGGCTGGGGTACCACAAACATGACAGCGCCTT-3'
Protein context (NP_005646.1, residues 324-344): PVVQSSKPPV[Val334Ala]SPNGTRLSPI

ClinVar aggregate classification (germline): Uncertain significance. Review status: criteria provided, multiple submitters, no conflicts (2 of 4 stars). 2 submissions from 2 submitters: Uncertain significance (2). Last evaluated 2025-12-01.

Allele frequency attached by ClinVar (database versions not stated): gnomAD exomes below 0.00001 and 0.00002; ExAC 0.00001; gnomAD 0.00002.

Submissions (2):

Labcorp Genetics (formerly Invitae), Labcorp
Classification: Uncertain significance. Last evaluated: 2025-12-01. Review status: criteria provided, single submitter. Criteria: Invitae Variant Classification Sherloc (09022015). Collection method: clinical testing. Allele origin: germline.
Comment: This sequence change replaces valine, which is neutral and non-polar, with alanine, which is neutral and non-polar, at codon 334 of the KLF10 protein (p.Val334Ala). This variant is present in population databases (rs746645949, gnomAD 0.008%). This variant has not been reported in the literature in individuals affected with KLF10-related conditions. ClinVar contains an entry for this variant (Variation ID: 1421890). An algorithm developed to predict the effect of missense changes on protein structure and function (PolyPhen-2) suggests that this variant is likely to be tolerated. In summary, the available evidence is currently insufficient to determine the role of this variant in disease. Therefore, it has been classified as a Variant of Uncertain Significance.

Ambry Genetics
Classification: Uncertain significance. Last evaluated: 2025-08-28. Review status: criteria provided, single submitter. Criteria: Ambry Variant Classification Scheme 2023. Collection method: clinical testing. Allele origin: germline.